The following is an entry in ClinVar:

ClinVar aggregate classification (germline): Conflicting classifications of pathogenicity. Review status: criteria provided, conflicting classifications (1 of 4 stars). 2 submissions from 2 submitters: Uncertain significance (1); Likely benign (1). Last evaluated 2023-11-27.

Conditions:
Granulomatous disease, chronic, autosomal recessive, cytochrome b-positive, type 2. Also called: Chronic granulomatous disease due to deficiency of NCF-2; Chronic Granulomatous Disease, Autosomal Recessive, Cytochrome b-Positive, Type II; GRANULOMATOUS DISEASE, CHRONIC, AUTOSOMAL RECESSIVE, 2; CGD, AUTOSOMAL RECESSIVE CYTOCHROME b-POSITIVE, TYPE II; GRANULOMATOUS DISEASE, CHRONIC, DUE TO NCF2 DEFICIENCY. Identifiers: Orphanet 379, MedGen C1856245, MONDO:0009310, OMIM 233710.

Allele frequency attached by ClinVar (database versions not stated): gnomAD 0.00001.

Submissions (2):

Labcorp Genetics (formerly Invitae), Labcorp
Classification: Likely benign for Granulomatous disease, chronic, autosomal recessive, cytochrome b-positive, type 2. Last evaluated: 2023-11-27. Review status: criteria provided, single submitter. Criteria: Invitae Variant Classification Sherloc (09022015). Collection method: clinical testing. Allele origin: germline.

GeneDx
Classification: Uncertain significance. Last evaluated: 2020-02-18. Review status: criteria provided, single submitter. Criteria: GeneDx Variant Classification Process June 2021. Collection method: clinical testing. Allele origin: germline. Affected: yes.
Comment: Not observed in large population cohorts (Lek et al., 2016); In silico analysis supports a deleterious effect on splicing; In the absence of RNA/functional studies, the actual effect of this sequence change is unknown; Has not been previously published as pathogenic or benign to our knowledge

NM_000433.4(NCF2):c.819C>T (p.Gly273=)

Gene: NCF2 (neutrophil cytosolic factor 2; minus strand). Cytogenetic location: 1q25.3.
Variant type: single nucleotide variant.
Coding change: c.819C>T on transcript NM_000433.4 (MANE Select); coding-DNA position 819, C replaced by T.
Protein change: p.Gly273=; no amino-acid change (glycine 273 retained).
Molecular consequence: synonymous variant.
Genome position (GRCh38, 1-based): chr1:183,567,240, G>A on the plus strand (C>T on the coding strand, the complement: NCF2 is on the minus strand). VCF-style: chr1-183567240-G-A. GRCh37 (hg19) VCF-style: chr1-183536375-G-A.
Other names: c.819C>T, p.Gly273= (NM_001127651.3); c.576C>T, p.Gly192= (NM_001190789.2); c.684C>T, p.Gly228= (NM_001190794.2).
Identifiers: ClinVar variation 1313670 (VCV001313670.7), dbSNP rs1672346572, ClinGen allele CA422303898.